The following is an entry in ClinVar:

ClinVar aggregate classification (germline): Uncertain significance. Review status: criteria provided, multiple submitters, no conflicts (2 of 4 stars). 5 submissions from 5 submitters: Uncertain significance (5). Last evaluated 2025-02-04.

Conditions:
Emery-Dreifuss muscular dystrophy 4, autosomal dominant (EDMD4). Also called: EMERY-DREIFUSS MUSCULAR DYSTROPHY 4 WITH VARIABLE FEATURES. Identifiers: Orphanet 261, MedGen C2751807, MONDO:0013071, OMIM 612998.
Autosomal recessive ataxia, Beauce type. Also called: SYNE1 Deficiency; SYNE1-Related Autosomal Recessive Cerebellar Ataxia; Spinocerebellar ataxia, autosomal recessive 8; ATAXIA, RECESSIVE, OF BEAUCE. Identifiers: Orphanet 88644, MedGen C1853116, MONDO:0012549, OMIM 610743.
SYNE1-related disorder. Also called: SYNE1-related disorders; SYNE1-related disease; SYNE1-related condition.

Allele frequency attached by ClinVar (database versions not stated): ExAC 0.00001; gnomAD 0.00002; gnomAD exomes 0.00003 and 0.00004; TOPMed 0.00003.
gnomAD v4.1: 56 of 1,613,912 alleles (0.0035%); highest among the groups gnomAD compares: Middle Eastern, 0.18%; no homozygotes.

Submissions (5):

PreventionGenetics, part of Exact Sciences
Classification: Uncertain significance for SYNE1-related condition. Last evaluated: 2025-02-04. Review status: criteria provided, single submitter. Criteria: ACMG Guidelines, 2015. Collection method: clinical testing. Allele origin: germline.
Comment: The SYNE1 c.16961C>A variant is predicted to result in the amino acid substitution p.Thr5654Asn. To our knowledge, this variant has not been reported in the literature. This variant is reported in 0.0062% of alleles in individuals of European (Non-Finnish) descent in gnomAD. At this time, the clinical significance of this variant is uncertain due to the absence of conclusive functional and genetic evidence.

Revvity Omics, Revvity
Classification: Uncertain significance. Last evaluated: 2024-05-16. Review status: criteria provided, single submitter. Criteria: ACMG Guidelines, 2015. Collection method: clinical testing. Allele origin: germline.

Labcorp Genetics (formerly Invitae), Labcorp
Classification: Uncertain significance for Emery-Dreifuss muscular dystrophy 4, autosomal dominant; Autosomal recessive ataxia, Beauce type. Last evaluated: 2022-09-01. Review status: criteria provided, single submitter. Criteria: Invitae Variant Classification Sherloc (09022015). Collection method: clinical testing. Allele origin: germline.
Comment: This sequence change replaces threonine, which is neutral and polar, with asparagine, which is neutral and polar, at codon 5654 of the SYNE1 protein (p.Thr5654Asn). This variant is present in population databases (rs751747080, gnomAD 0.006%). This variant has not been reported in the literature in individuals affected with SYNE1-related conditions. ClinVar contains an entry for this variant (Variation ID: 596695). Algorithms developed to predict the effect of missense changes on protein structure and function (SIFT, PolyPhen-2, Align-GVGD) all suggest that this variant is likely to be disruptive. In summary, the available evidence is currently insufficient to determine the role of this variant in disease. Therefore, it has been classified as a Variant of Uncertain Significance.

CeGaT Center for Human Genetics Tuebingen
Classification: Uncertain significance. Last evaluated: 2019-04-01. Review status: criteria provided, single submitter. Criteria: CeGaT Center For Human Genetics Tuebingen Variant Classification Criteria Version 2. Collection method: clinical testing. Allele origin: germline. Affected: yes. Observed: 3 variant alleles.

Eurofins Ntd Llc (ga)
Classification: Uncertain significance. Last evaluated: 2018-04-04. Review status: criteria provided, single submitter. Criteria: EGL ClinVar v180209 classification definitions. Collection method: clinical testing. Allele origin: germline. Observed: 1 variant allele, 1 heterozygote.

NM_182961.4(SYNE1):c.17174C>A (p.Thr5725Asn)

Genes: SYNE1 (spectrin repeat containing nuclear envelope protein 1; minus strand), LOC126859837 (BRD4-independent group 4 enhancer GRCh37_chr6:152630775-152631974; plus strand). Cytogenetic location: 6q25.2.
Variant type: single nucleotide variant.
Coding change: c.17174C>A on transcript NM_182961.4 (MANE Select); coding-DNA position 17174, C replaced by A.
Protein change: p.Thr5725Asn; replaces threonine 5725 with asparagine.
Molecular consequence: missense variant.
Genome position (GRCh38, 1-based): chr6:152,309,863, G>T on the plus strand (C>A on the coding strand, the complement: SYNE1 is on the minus strand). VCF-style: chr6-152309863-G-T. GRCh37 (hg19) VCF-style: chr6-152630998-G-T.
Other names: c.16961C>A, p.Thr5654Asn (NM_033071.5); c.16961C>A (NM_033071.3); short protein forms T5725N, T5654N.
Identifiers: ClinVar variation 596695 (VCV000596695.54), dbSNP rs751747080, ClinGen allele CA4055327.